The following is an entry in ClinVar:

ClinVar aggregate classification (germline): Pathogenic (1 of 4 stars; one submission).

Conditions:
Arrhythmogenic right ventricular dysplasia 8 (ARVD8). Also called: Arrhythmogenic Right Ventricular Dysplasia/Cardiomyopathy 8; ARRHYTHMOGENIC RIGHT VENTRICULAR DYSPLASIA, FAMILIAL, 8; ARRHYTHMOGENIC RIGHT VENTRICULAR CARDIOMYOPATHY 8. Identifiers: MedGen C1843896, MONDO:0011831, OMIM 607450.
Arrhythmogenic cardiomyopathy with wooly hair and keratoderma. Also called: PALMOPLANTAR KERATODERMA WITH LEFT VENTRICULAR CARDIOMYOPATHY AND WOOLLY HAIR; Carvajal syndrome; Arrhythmogenic cardiomyopathy with woolly hair and keratoderma; Dilated cardiomyopathy with woolly hair and keratoderma. Identifiers: Orphanet 65282, MedGen C1854063, MONDO:0011581, OMIM 605676.

Allele frequency attached by ClinVar (database versions not stated): TOPMed below 0.00001.

Submission:

Labcorp Genetics (formerly Invitae), Labcorp
Classification: Pathogenic for Arrhythmogenic cardiomyopathy with wooly hair and keratoderma; Arrhythmogenic right ventricular dysplasia 8. Last evaluated: 2020-08-19. Review status: criteria provided, single submitter. Criteria: Invitae Variant Classification Sherloc (09022015). Collection method: clinical testing. Allele origin: germline.
Comment: Loss-of-function variants in DSP are known to be pathogenic (PMID: 20716751, 24503780, 25227139). Algorithms developed to predict the effect of sequence changes on RNA splicing suggest that this variant may create or strengthen a splice site, but this prediction has not been confirmed by published transcriptional studies. This variant has not been reported in the literature in individuals with DSP-related conditions. This variant is not present in population databases (ExAC no frequency). This sequence change creates a premature translational stop signal (p.Tyr552*) in the DSP gene. It is expected to result in an absent or disrupted protein product. For these reasons, this variant has been classified as Pathogenic.

Literature cited by the submitters: PubMed 20716751; PubMed 24503780; PubMed 25227139.

NM_004415.4(DSP):c.1656C>G (p.Tyr552Ter)

Gene: DSP (desmoplakin; plus strand). Cytogenetic location: 6p24.3.
Variant type: single nucleotide variant.
Coding change: c.1656C>G on transcript NM_004415.4 (MANE Select); coding-DNA position 1656, C replaced by G.
Protein change: p.Tyr552Ter; replaces tyrosine 552 with a stop codon.
Molecular consequence: nonsense.
Genome position (GRCh38, 1-based): chr6:7,570,518, C>G. VCF-style: chr6-7570518-C-G. GRCh37 (hg19) VCF-style: chr6-7570751-C-G.
Other names: c.1656C>G, p.Tyr552Ter (NM_001008844.3, NM_001319034.2); short protein forms Y552*.
Identifiers: ClinVar variation 1072033 (VCV001072033.10), dbSNP rs1759011966, ClinGen allele CA362678339.